The following is an entry in ClinVar:

ClinVar aggregate classification (germline): Uncertain significance (1 of 4 stars; one submission).

gnomAD v4.1: 2 of 1,612,768 alleles (0.00012%); highest among the groups gnomAD compares: Non-Finnish European, 0.00017%; no homozygotes.

Submission:

Ambry Genetics
Classification: Uncertain significance. Last evaluated: 2024-04-29. Review status: criteria provided, single submitter. Criteria: Ambry Variant Classification Scheme 2023. Collection method: clinical testing. Allele origin: germline.
Comment: The p.D829E variant (also known as c.2487T>A), located in coding exon 13 of the PALLD gene, results from a T to A substitution at nucleotide position 2487. The aspartic acid at codon 829 is replaced by glutamic acid, an amino acid with highly similar properties. This amino acid position is conserved. In addition, this alteration is predicted to be tolerated by in silico analysis. Since supporting evidence is limited at this time, the clinical significance of this alteration remains unclear.

NM_001166108.2(PALLD):c.2538T>A (p.Asp846Glu)

Genes: PALLD (palladin, cytoskeletal associated protein; plus strand), CBR4 (carbonyl reductase 4; minus strand). Cytogenetic location: 4q32.3.
Variant type: single nucleotide variant.
Coding change: c.2538T>A on transcript NM_001166108.2 (MANE Select); coding-DNA position 2538, T replaced by A.
Protein change: p.Asp846Glu; replaces aspartic acid 846 with glutamic acid.
Molecular consequence: missense variant.
Genome position (GRCh38, 1-based): chr4:168,903,822, T>A. VCF-style: chr4-168903822-T-A. GRCh37 (hg19) VCF-style: chr4-169824973-T-A.
Other names: c.1341T>A, p.Asp447Glu (NM_001166109.2); c.1026T>A, p.Asp342Glu (NM_001166110.2); c.366T>A, p.Asp122Glu (NM_001367567.1, NM_001367569.1); c.417T>A, p.Asp139Glu (NM_001367568.1, NM_001367570.1); c.2487T>A, p.Asp829Glu (NM_016081.4); short protein forms D122E, D846E, D447E, D829E, D139E, D342E.
Identifiers: ClinVar variation 1792005 (VCV001792005.3), dbSNP rs1757059156, ClinGen allele CA358799380.